The following is an entry in ClinVar:

NM_001458.5(FLNC):c.3322G>A (p.Glu1108Lys)

Gene: FLNC (filamin C; plus strand). Cytogenetic location: 7q32.1.
Variant type: single nucleotide variant.
Coding change: c.3322G>A on transcript NM_001458.5 (MANE Select); coding-DNA position 3322, G replaced by A.
Protein change: p.Glu1108Lys; replaces glutamic acid 1108 with lysine.
Molecular consequence: missense variant.
Genome position (GRCh38, 1-based): chr7:128,844,787, G>A. VCF-style: chr7-128844787-G-A. GRCh37 (hg19) VCF-style: chr7-128484841-G-A.
Other names: c.3322G>A, p.Glu1108Lys (NM_001127487.2); short protein forms E1108K.
Identifiers: ClinVar variation 952929 (VCV000952929.12), dbSNP rs781352216, ClinGen allele CA4475018.

ClinVar aggregate classification (germline): Uncertain significance. Review status: criteria provided, multiple submitters, no conflicts (2 of 4 stars). 4 submissions from 4 submitters: Uncertain significance (4). Last evaluated 2026-03-31.

Conditions:
Distal myopathy with posterior leg and anterior hand involvement. Also called: WILLIAMS DISTAL MYOPATHY. Identifiers: Orphanet 63273, MedGen C3279722, MONDO:0013550, OMIM 614065.
Myofibrillar myopathy 5. Also called: Filaminopathy (type); FILAMINOPATHY, AUTOSOMAL DOMINANT. Identifiers: Orphanet 171445, MedGen C1836050, MONDO:0012289, OMIM 609524.
Hypertrophic cardiomyopathy 26. Also called: Cardiomyopathy, familial hypertrophic, 26. Identifiers: Orphanet 75249, MedGen C4310749, MONDO:0014883, OMIM 617047.
Cardiovascular phenotype. Identifiers: MedGen CN230736.
FLNC-related disorder. Also called: FLNC-related condition; FLNC-related disorders.

Allele frequency attached by ClinVar (database versions not stated): gnomAD below 0.00001 and 0.00001; ExAC 0.00001; gnomAD exomes 0.00001; TOPMed 0.00001.
gnomAD v4.1: 17 of 1,613,982 alleles (0.0011%); highest among the groups gnomAD compares: South Asian, 0.013%; no homozygotes.

Submissions (4):

PreventionGenetics, part of Exact Sciences
Classification: Uncertain significance for FLNC-related condition. Last evaluated: 2026-03-31. Review status: criteria provided, single submitter. Criteria: ACMG Guidelines, 2015. Collection method: clinical testing. Allele origin: germline.
Comment: The FLNC c.3322G>A variant is predicted to result in the amino acid substitution p.Glu1108Lys. To our knowledge, this variant has not been reported in the literature. This variant is reported in 0.0065% of alleles in individuals of South Asian descent in gnomAD. At this time, the clinical significance of this variant is uncertain due to the absence of conclusive functional and genetic evidence.

Labcorp Genetics (formerly Invitae), Labcorp
Classification: Uncertain significance for Distal myopathy with posterior leg and anterior hand involvement; Myofibrillar myopathy 5; Hypertrophic cardiomyopathy 26. Last evaluated: 2026-01-18. Review status: criteria provided, single submitter. Criteria: Invitae Variant Classification Sherloc (09022015). Collection method: clinical testing. Allele origin: germline.
Comment: This sequence change replaces glutamic acid, which is acidic and polar, with lysine, which is basic and polar, at codon 1108 of the FLNC protein (p.Glu1108Lys). This variant is present in population databases (rs781352216, gnomAD 0.006%). This variant has not been reported in the literature in individuals affected with FLNC-related conditions. ClinVar contains an entry for this variant (Variation ID: 952929). Invitae Evidence Modeling of protein sequence and biophysical properties (such as structural, functional, and spatial information, amino acid conservation, physicochemical variation, residue mobility, and thermodynamic stability) has been performed for this missense variant. However, the output from this modeling did not meet the statistical confidence thresholds required to predict the impact of this variant on FLNC protein function. In summary, the available evidence is currently insufficient to determine the role of this variant in disease. Therefore, it has been classified as a Variant of Uncertain Significance.

Ambry Genetics
Classification: Uncertain significance for Cardiovascular phenotype. Last evaluated: 2023-12-28. Review status: criteria provided, single submitter. Criteria: Ambry Variant Classification Scheme 2023. Collection method: clinical testing. Allele origin: germline.

Blueprint Genetics
Classification: Uncertain significance. Last evaluated: 2022-10-24. Review status: criteria provided, single submitter. Criteria: ACMG Guidelines, 2015. Collection method: clinical testing. Allele origin: germline.